The following is an entry in ClinVar:

ClinVar aggregate classification (germline): Uncertain significance. Review status: criteria provided, multiple submitters, no conflicts (2 of 4 stars). 5 submissions from 5 submitters: Uncertain significance (5). Last evaluated 2025-06-17.

Conditions:
Arrhythmogenic right ventricular dysplasia 10. Also called: Arrhythmogenic Right Ventricular Dysplasia/Cardiomyopathy10; ARRHYTHMOGENIC RIGHT VENTRICULAR DYSPLASIA, FAMILIAL, 10; Arrhythmogenic right ventricular dysplasia/cardiomyopathy, type 10. Identifiers: MedGen C1857777, MONDO:0012434, OMIM 610193.
Dilated cardiomyopathy 1BB (CMD1BB). Also called: CARDIOMYOPATHY, DILATED, 1BB, SUSCEPTIBILITY TO. Identifiers: Orphanet 154, MedGen C2752072, MONDO:0013030, OMIM 612877.
Arrhythmogenic right ventricular cardiomyopathy (ARVD). Also called: Arrhythmogenic cardiomyopathy; Cardiomyopathy, ARVC; Arrhythmogenic right ventricular dysplasia; Arrhythmogenic Right Ventricular Cardiomyopathy (ARVC). Identifiers: Orphanet 247, MedGen C0349788, MeSH D019571, MONDO:0016587. Disease mechanism: loss of function. Inheritance: Various modes of inheritance.
Cardiomyopathy (CMYO). Also called: Cardiomyopathies. Identifiers: Orphanet 167848, MedGen C0878544, MONDO:0004994, HP:0001638. Inheritance: Various modes of inheritance.

Allele frequency attached by ClinVar (database versions not stated): gnomAD 0.00001; gnomAD exomes 0.00001; TOPMed 0.00001; ExAC 0.00002; ESP Exome Variant Server 0.00008.
gnomAD v4.1: 9 of 1,614,012 alleles (0.00056%); highest among the groups gnomAD compares: Middle Eastern, 0.016%; no homozygotes.

Submissions (5):

Labcorp Genetics (formerly Invitae), Labcorp
Classification: Uncertain significance for Arrhythmogenic right ventricular dysplasia 10. Last evaluated: 2025-06-17. Review status: criteria provided, single submitter. Criteria: Invitae Variant Classification Sherloc (09022015). Collection method: clinical testing. Allele origin: germline.
Comment: This sequence change replaces histidine, which is basic and polar, with arginine, which is basic and polar, at codon 43 of the DSG2 protein (p.His43Arg). This variant is present in population databases (rs370922106, gnomAD 0.002%). This variant has not been reported in the literature in individuals affected with DSG2-related conditions. ClinVar contains an entry for this variant (Variation ID: 922473). Invitae Evidence Modeling of protein sequence and biophysical properties (such as structural, functional, and spatial information, amino acid conservation, physicochemical variation, residue mobility, and thermodynamic stability) indicates that this missense variant is not expected to disrupt DSG2 protein function with a negative predictive value of 95%. In summary, the available evidence is currently insufficient to determine the role of this variant in disease. Therefore, it has been classified as a Variant of Uncertain Significance.

All of Us Research Program, National Institutes of Health
Classification: Uncertain significance for Arrhythmogenic right ventricular cardiomyopathy. Last evaluated: 2024-03-24. Review status: criteria provided, single submitter. Criteria: ACMG Guidelines, 2015. Collection method: clinical testing. Allele origin: germline. Inheritance: Autosomal dominant inheritance. Observed: 1 variant allele, 1 heterozygote.
Comment: This missense variant replaces histidine with arginine at codon 43 of the DSG2 protein. Computational prediction suggests that this variant may not impact protein structure and function (internally defined REVEL score threshold <= 0.5, PMID: 27666373). To our knowledge, functional studies have not been reported for this variant. This variant has not been reported in individuals affected with DSG2-related disorders in the literature. This variant has been identified in 2/249494 chromosomes in the general population by the Genome Aggregation Database (gnomAD). The available evidence is insufficient to determine the role of this variant in disease conclusively. Therefore, this variant is classified as a Variant of Uncertain Significance.

This study involves interpretation of variants in research participants for the purpose of population health screening. Participant phenotype was not available at the time of variant classification. Additional details can be found in publication PMID: 35346344, PMCID: PMC8962531

Color Diagnostics, LLC DBA Color Health
Classification: Uncertain significance for Cardiomyopathy. Last evaluated: 2023-12-04. Review status: criteria provided, single submitter. Criteria: ACMG Guidelines, 2015. Collection method: clinical testing. Allele origin: germline.
Comment: This missense variant replaces histidine with arginine at codon 43 of the DSG2 protein. Computational prediction suggests that this variant may not impact protein structure and function (internally defined REVEL score threshold <= 0.5, PMID: 27666373). To our knowledge, functional studies have not been reported for this variant. This variant has not been reported in individuals affected with DSG2-related disorders in the literature. This variant has been identified in 2/249494 chromosomes in the general population by the Genome Aggregation Database (gnomAD). The available evidence is insufficient to determine the role of this variant in disease conclusively. Therefore, this variant is classified as a Variant of Uncertain Significance.

Fulgent Genetics
Classification: Uncertain significance for Arrhythmogenic right ventricular dysplasia 10; Dilated cardiomyopathy 1BB. Last evaluated: 2021-11-01. Review status: criteria provided, single submitter. Criteria: ACMG Guidelines, 2015. Collection method: clinical testing. Allele origin: unknown.

GeneDx
Classification: Uncertain significance. Last evaluated: 2019-06-11. Review status: criteria provided, single submitter. Criteria: GeneDx Variant Classification Process June 2021. Collection method: clinical testing. Allele origin: germline. Affected: yes.
Comment: Not observed at a significant frequency in large population cohorts (Lek et al., 2016); In silico analysis, which includes protein predictors and evolutionary conservation, supports that this variant does not alter protein structure/function; Has not been previously published as pathogenic or benign to our knowledge

NM_001943.5(DSG2):c.128A>G (p.His43Arg)

Gene: DSG2 (desmoglein 2; plus strand). Cytogenetic location: 18q12.1.
Variant type: single nucleotide variant.
Coding change: c.128A>G on transcript NM_001943.5 (MANE Select); coding-DNA position 128, A replaced by G.
Protein change: p.His43Arg; replaces histidine 43 with arginine.
Molecular consequence: missense variant.
Genome position (GRCh38, 1-based): chr18:31,519,849, A>G. VCF-style: chr18-31519849-A-G. GRCh37 (hg19) VCF-style: chr18-29099812-A-G.
Other names: short protein forms H43R.
Identifiers: ClinVar variation 922473 (VCV000922473.11), dbSNP rs370922106, ClinGen allele CA041999.